The following is an entry in ClinVar:

NM_152703.5(SAMD9L):c.1916G>A (p.Gly639Glu)

Gene: SAMD9L (sterile alpha motif domain containing 9 like; minus strand). Cytogenetic location: 7q21.2.
Variant type: single nucleotide variant.
Coding change: c.1916G>A on transcript NM_152703.5 (MANE Select); coding-DNA position 1916, G replaced by A.
Protein change: p.Gly639Glu; replaces glycine 639 with glutamic acid.
Molecular consequence: missense variant.
Genome position (GRCh38, 1-based): chr7:93,134,056, C>T on the plus strand (G>A on the coding strand, the complement: SAMD9L is on the minus strand). VCF-style: chr7-93134056-C-T. GRCh37 (hg19) VCF-style: chr7-92763369-C-T.
Other names: c.1916G>A, p.Gly639Glu (NM_001303496.3, NM_001303497.3, NM_001303498.3 and 5 more transcripts); c.1916G>A (NM_152703.2); short protein forms G639E.
Identifiers: ClinVar variation 1987901 (VCV001987901.6), dbSNP rs2535424169, ClinGen allele CA368194052.
Genomic context (GRCh38, chr7:93,134,056, plus strand): 5'-AGGATTTCCAGTGCAGTCAAGACATCCTCTTTCTTTTTCTCTAGGATAACTGAAGAAGAT[C>T]CACGGGCGGGCAAAAACCTTCTTGATGACCGAGTCACCGATTTTAGTTTAAGGATAGTGC-3'
Protein context (NP_689916.2, residues 629-649): RSSRRFLPAR[Gly639Glu]SSSVILEKKK

ClinVar aggregate classification (germline): Uncertain significance. Review status: criteria provided, multiple submitters, no conflicts (2 of 4 stars). 2 submissions from 2 submitters: Uncertain significance (2). Last evaluated 2026-01-06.

Conditions:
Inborn genetic diseases. Identifiers: MedGen C0950123, MeSH D030342.

Allele frequency attached by ClinVar (database versions not stated): gnomAD exomes 0.00001.

Submissions (2):

Labcorp Genetics (formerly Invitae), Labcorp
Classification: Uncertain significance. Last evaluated: 2026-01-06. Review status: criteria provided, single submitter. Criteria: Invitae Variant Classification Sherloc (09022015). Collection method: clinical testing. Allele origin: germline.
Comment: This sequence change replaces glycine, which is neutral and non-polar, with glutamic acid, which is acidic and polar, at codon 639 of the SAMD9L protein (p.Gly639Glu). This variant is not present in population databases (gnomAD no frequency). This variant has not been reported in the literature in individuals affected with SAMD9L-related conditions. ClinVar contains an entry for this variant (Variation ID: 1987901). Invitae Evidence Modeling of protein sequence and biophysical properties (such as structural, functional, and spatial information, amino acid conservation, physicochemical variation, residue mobility, and thermodynamic stability) indicates that this missense variant is not expected to disrupt SAMD9L protein function with a negative predictive value of 80%. In summary, the available evidence is currently insufficient to determine the role of this variant in disease. Therefore, it has been classified as a Variant of Uncertain Significance.

Ambry Genetics
Classification: Uncertain significance for Inborn genetic diseases. Last evaluated: 2025-04-08. Review status: criteria provided, single submitter. Criteria: Ambry Variant Classification Scheme 2023. Collection method: clinical testing. Allele origin: germline.